The following is an entry in ClinVar:

NM_001256789.3(CACNA1F):c.2342G>A (p.Gly781Asp)

Gene: CACNA1F (calcium voltage-gated channel subunit alpha1 F; minus strand). Cytogenetic location: Xp11.23.
Variant type: single nucleotide variant.
Coding change: c.2342G>A on transcript NM_001256789.3 (MANE Select); coding-DNA position 2342, G replaced by A.
Protein change: p.Gly781Asp; replaces glycine 781 with aspartic acid.
Molecular consequence: missense variant.
Genome position (GRCh38, 1-based): chrX:49,220,517, C>T on the plus strand (G>A on the coding strand, the complement: CACNA1F is on the minus strand). VCF-style: chrX-49220517-C-T. GRCh37 (hg19) VCF-style: chrX-49076976-C-T.
Other names: c.2180G>A, p.Gly727Asp (NM_001256790.3); c.2375G>A, p.Gly792Asp (NM_005183.4); short protein forms G792D, G727D, G781D.
Identifiers: ClinVar variation 948648 (VCV000948648.9), dbSNP rs1557108545, ClinGen allele CA412908529.
Genomic context (GRCh38, chrX:49,220,517, plus strand): 5'-GGCCCTGCCCACTTGCCTGCTCCTTCCCTCCTTGCACCCTCCTCTTCCTCTTTCTCCACA[C>T]CAGGCACCTGAGGACAGGAAGACGGGAGTCATCAATGGTGAGGGAGACACAGGGAATGGA-3'
Protein context (NP_001243718.1, residues 771-791): LPQENEGLVP[Gly781Asp]VEKEEEEGAR

ClinVar aggregate classification (germline): Uncertain significance (1 of 4 stars; one submission).

Allele frequency attached by ClinVar (database versions not stated): TOPMed below 0.00001; gnomAD exomes 0.00001.
gnomAD v4.1: 8 of 1,207,450 alleles (0.00066%); highest among the groups gnomAD compares: Non-Finnish European, 0.00022%; no homozygotes.

Submission:

Labcorp Genetics (formerly Invitae), Labcorp
Classification: Uncertain significance. Last evaluated: 2023-10-03. Review status: criteria provided, single submitter. Criteria: Invitae Variant Classification Sherloc (09022015). Collection method: clinical testing. Allele origin: germline.
Comment: This sequence change replaces glycine, which is neutral and non-polar, with aspartic acid, which is acidic and polar, at codon 792 of the CACNA1F protein (p.Gly792Asp). This variant is present in population databases (no rsID available, gnomAD 0.01%). This variant has not been reported in the literature in individuals affected with CACNA1F-related conditions. ClinVar contains an entry for this variant (Variation ID: 948648). Advanced modeling of protein sequence and biophysical properties (such as structural, functional, and spatial information, amino acid conservation, physicochemical variation, residue mobility, and thermodynamic stability) performed at Invitae indicates that this missense variant is not expected to disrupt CACNA1F protein function. In summary, the available evidence is currently insufficient to determine the role of this variant in disease. Therefore, it has been classified as a Variant of Uncertain Significance.